The following is an entry in ClinVar:

ClinVar aggregate classification (germline): Likely pathogenic. Review status: criteria provided, multiple submitters, no conflicts (2 of 4 stars). 2 submissions from 2 submitters: Likely pathogenic (2). Last evaluated 2025-05-21.

Conditions:
ABCA4-related disorder. Also called: ABCA4-related condition; ABCA4-related disorders. Identifiers: MedGen CN239167.

Allele frequency attached by ClinVar (database versions not stated): TOPMed 0.00003; gnomAD 0.00001; gnomAD exomes 0.00002.
gnomAD v4.1: 43 of 1,613,930 alleles (0.0027%); highest among the groups gnomAD compares: Non-Finnish European, 0.0031%; no homozygotes.

Submissions (2):

PreventionGenetics, part of Exact Sciences
Classification: Likely pathogenic for ABCA4-related condition. Last evaluated: 2025-05-21. Review status: criteria provided, single submitter. Criteria: ACMG Guidelines, 2015. Collection method: clinical testing. Allele origin: germline.
Comment: The ABCA4 c.6787C>T variant is predicted to result in premature protein termination (p.Arg2263*). This variant has been reported in an individual with Stargardt disease (Supplementary data, Hou et al. 2020. PubMed ID: 31980526). This variant is reported in 0.013% of alleles in individuals of European (Non-Finnish) descent in gnomAD. Nonsense variants in ABCA4 are expected to be pathogenic. This variant is interpreted as likely pathogenic.

Labcorp Genetics (formerly Invitae), Labcorp
Classification: Likely pathogenic. Last evaluated: 2025-04-16. Review status: criteria provided, single submitter. Criteria: Invitae Variant Classification Sherloc (09022015). Collection method: clinical testing. Allele origin: germline.
Comment: This sequence change creates a premature translational stop signal (p.Arg2263*) in the ABCA4 gene. While this is not anticipated to result in nonsense mediated decay, it is expected to disrupt the last 11 amino acid(s) of the ABCA4 protein. This variant is present in population databases (no rsID available, gnomAD 0.01%). This premature translational stop signal has been observed in individual(s) with Stargardt disease (PMID: 31980526). ClinVar contains an entry for this variant (Variation ID: 936695). This variant disrupts a region of the ABCA4 protein in which other variant(s) (p.Gln2722Arg) have been observed in individuals with ABCA4-related conditions (internal data). This suggests that this is a clinically significant region of the protein, and that variants that disrupt it are likely to be disease-causing. In summary, the currently available evidence indicates that the variant is pathogenic, but additional data are needed to prove that conclusively. Therefore, this variant has been classified as Likely Pathogenic.

Literature cited by the submitters: PubMed 31980526 (cited by Labcorp Genetics (formerly Invitae), Labcorp).

NM_000350.3(ABCA4):c.6787C>T (p.Arg2263Ter)

Gene: ABCA4 (ATP binding cassette subfamily A member 4; minus strand). Cytogenetic location: 1p22.1.
Variant type: single nucleotide variant.
Coding change: c.6787C>T on transcript NM_000350.3 (MANE Select); coding-DNA position 6787, C replaced by T.
Protein change: p.Arg2263Ter; replaces arginine 2263 with a stop codon.
Molecular consequence: nonsense.
Genome position (GRCh38, 1-based): chr1:93,996,138, G>A on the plus strand (C>T on the coding strand, the complement: ABCA4 is on the minus strand). VCF-style: chr1-93996138-G-A. GRCh37 (hg19) VCF-style: chr1-94461694-G-A.
Other names: c.6565C>T, p.Arg2189Ter (NM_001425324.1); short protein forms R2263*, R2189*.
Identifiers: ClinVar variation 936695 (VCV000936695.8), dbSNP rs998363634, ClinGen allele CA26827332.
Genomic context (GRCh38, chr1:93,996,138, plus strand): 5'-AAGCTGTGGACTGCATAAGCAGCAGGGGTACCTGGGCTTGTCGACTGGCTCCAGCAGCTC[G>A]AGGGTGCAGAGGGAGGTCATGACTTTCAGTCTGCTGTTTAGCAAAATTTACAAACACCTA-3'